The following is an entry in ClinVar:

NM_000388.4(CASR):c.9T>G (p.Phe3Leu)

Gene: CASR (calcium sensing receptor; plus strand). Cytogenetic location: 3q21.1.
Variant type: single nucleotide variant.
Coding change: c.9T>G on transcript NM_000388.4 (MANE Select); coding-DNA position 9, T replaced by G.
Protein change: p.Phe3Leu; replaces phenylalanine 3 with leucine.
Molecular consequence: missense variant.
Genome position (GRCh38, 1-based): chr3:122,254,198, T>G. VCF-style: chr3-122254198-T-G. GRCh37 (hg19) VCF-style: chr3-121973045-T-G.
Other names: c.9T>G, p.Phe3Leu (NM_001178065.2); short protein forms F3L.
Identifiers: ClinVar variation 861221 (VCV000861221.10), dbSNP rs764556468, ClinGen allele CA354361930.

ClinVar aggregate classification (germline): Uncertain significance (1 of 4 stars; one submission).

Conditions:
Familial hypocalciuric hypercalcemia (FHH). Also called: Familial benign hypercalcemia. Identifiers: Orphanet 405, MedGen C1809471, MONDO:0018458.
Autosomal dominant hypocalcemia 1 (HYPOC1). Also called: HYPOCALCEMIA, FAMILIAL. Identifiers: MedGen C3715128, MONDO:0011013, OMIM 601198.

Submission:

Labcorp Genetics (formerly Invitae), Labcorp
Classification: Uncertain significance for Familial hypocalciuric hypercalcemia; Autosomal dominant hypocalcemia 1. Last evaluated: 2019-11-20. Review status: criteria provided, single submitter. Criteria: Invitae Variant Classification Sherloc (09022015). Collection method: clinical testing. Allele origin: germline.
Comment: This sequence change replaces phenylalanine with leucine at codon 3 of the CASR protein (p.Phe3Leu). The phenylalanine residue is moderately conserved and there is a small physicochemical difference between phenylalanine and leucine. In summary, the available evidence is currently insufficient to determine the role of this variant in disease. Therefore, it has been classified as a Variant of Uncertain Significance. Algorithms developed to predict the effect of missense changes on protein structure and function output the following: SIFT: "Tolerated"; PolyPhen-2: "Benign"; Align-GVGD: "Class C0". The leucine amino acid residue is found in multiple mammalian species, suggesting that this missense change does not adversely affect protein function. These predictions have not been confirmed by published functional studies and their clinical significance is uncertain. This variant has not been reported in the literature in individuals with CASR-related conditions. This variant is not present in population databases (ExAC no frequency).